The following is an entry in ClinVar:

NM_014053.4(FLVCR1):c.529_530delinsAA (p.Ala177Asn)

Gene: FLVCR1 (FLVCR choline and heme transporter 1; plus strand). Cytogenetic location: 1q32.3.
Variant type: Indel.
Coding change: c.529_530delinsAA on transcript NM_014053.4 (MANE Select); coding-DNA positions 529 to 530, GC replaced by AA.
Protein change: p.Ala177Asn; replaces alanine 177 with asparagine.
Molecular consequence: missense variant.
Genome position (GRCh38, 1-based): chr1:212,858,981-212,858,982, GC replaced by AA. VCF-style: chr1-212858981-GC-AA. GRCh37 (hg19) VCF-style: chr1-213032323-GC-AA.
Other names: short protein forms A177N.
Identifiers: ClinVar variation 2579814 (VCV002579814.4), dbSNP rs2464386943, ClinGen allele CA2580617944.

ClinVar aggregate classification (germline): Uncertain significance. Review status: criteria provided, multiple submitters, no conflicts (2 of 4 stars). 2 submissions from 2 submitters: Uncertain significance (2). Last evaluated 2025-09-15.

Submissions (2):

Labcorp Genetics (formerly Invitae), Labcorp
Classification: Uncertain significance. Last evaluated: 2025-09-15. Review status: criteria provided, single submitter. Criteria: Invitae Variant Classification Sherloc (09022015). Collection method: clinical testing. Allele origin: germline.
Comment: This sequence change replaces alanine, which is neutral and non-polar, with asparagine, which is neutral and polar, at codon 177 of the FLVCR1 protein (p.Ala177Asn). Information on the frequency of this variant in the gnomAD database is not available, as this variant may be reported differently in the database. This missense change has been observed in individual(s) with clinical features of posterior column ataxia with retinitis pigmentosa (internal data). ClinVar contains an entry for this variant (Variation ID: 2579814). An algorithm developed to predict the effect of missense changes on protein structure and function (PolyPhen-2) suggests that this variant is likely to be tolerated. In summary, the available evidence is currently insufficient to determine the role of this variant in disease. Therefore, it has been classified as a Variant of Uncertain Significance.

GeneDx
Classification: Uncertain significance. Last evaluated: 2023-03-14. Review status: criteria provided, single submitter. Criteria: GeneDx Variant Classification Process June 2021. Collection method: clinical testing. Allele origin: germline. Affected: yes.
Comment: Not observed at significant frequency in large population cohorts (gnomAD); In silico analysis supports a deleterious effect on protein structure/function; Has not been previously published as pathogenic or benign to our knowledge